The following is an entry in ClinVar:

ClinVar aggregate classification (germline): Uncertain significance. Review status: criteria provided, multiple submitters, no conflicts (2 of 4 stars). 2 submissions from 2 submitters: Uncertain significance (2). Last evaluated 2025-01-21.

Conditions:
Inborn genetic diseases. Identifiers: MedGen C0950123, MeSH D030342.

Allele frequency attached by ClinVar (database versions not stated): TOPMed below 0.00001; ExAC 0.00001; gnomAD 0.00001; gnomAD exomes 0.00001.
gnomAD v4.1: 8 of 1,611,816 alleles (0.0005%); highest among the groups gnomAD compares: Admixed American, 0.0017%; no homozygotes.

Submissions (2):

Ambry Genetics
Classification: Uncertain significance for Inborn genetic diseases. Last evaluated: 2025-01-21. Review status: criteria provided, single submitter. Criteria: Ambry Variant Classification Scheme 2023. Collection method: clinical testing. Allele origin: germline.

Labcorp Genetics (formerly Invitae), Labcorp
Classification: Uncertain significance. Last evaluated: 2021-08-20. Review status: criteria provided, single submitter. Criteria: Invitae Variant Classification Sherloc (09022015). Collection method: clinical testing. Allele origin: germline.
Comment: This sequence change replaces alanine with proline at codon 3167 of the SZT2 protein (p.Ala3167Pro). The alanine residue is highly conserved and there is a small physicochemical difference between alanine and proline. This variant is present in population databases (rs781351482, ExAC 0.002%). This variant has not been reported in the literature in individuals affected with SZT2-related conditions. Algorithms developed to predict the effect of missense changes on protein structure and function (SIFT, PolyPhen-2, Align-GVGD) all suggest that this variant is likely to be tolerated. In summary, the available evidence is currently insufficient to determine the role of this variant in disease. Therefore, it has been classified as a Variant of Uncertain Significance.

NM_001365999.1(SZT2):c.9670G>C (p.Ala3224Pro)

Genes: SZT2 (SZT2 subunit of KICSTOR complex; plus strand), SZT2-AS1 (SZT2 antisense RNA 1; minus strand). Cytogenetic location: 1p34.2.
Variant type: single nucleotide variant.
Coding change: c.9670G>C on transcript NM_001365999.1 (MANE Select); coding-DNA position 9670, G replaced by C.
Protein change: p.Ala3224Pro; replaces alanine 3224 with proline.
Molecular consequence: missense variant. On other transcripts: non-coding transcript variant (1).
Genome position (GRCh38, 1-based): chr1:43,448,185, G>C. VCF-style: chr1-43448185-G-C. GRCh37 (hg19) VCF-style: chr1-43913856-G-C.
Other names: c.9499G>C, p.Ala3167Pro (NM_015284.4); c.9499G>C (NM_015284.3); short protein forms A3167P, A3224P.
Identifiers: ClinVar variation 1046766 (VCV001046766.7), dbSNP rs781351482, ClinGen allele CA810993.